The following is an entry in ClinVar:

ClinVar aggregate classification (germline): Likely benign. Review status: criteria provided, multiple submitters, no conflicts (2 of 4 stars). 2 submissions from 2 submitters: Likely benign (2). Last evaluated 2025-06-27.

Allele frequency attached by ClinVar (database versions not stated): ExAC 0.00003; TOPMed 0.00006; gnomAD 0.00007; 1000 Genomes Project 0.00020; 1000 Genomes Project 30x 0.00031.
gnomAD v4.1: 70 of 1,614,186 alleles (0.0043%); highest among the groups gnomAD compares: Admixed American, 0.027%; no homozygotes.

Submissions (2):

Labcorp Genetics (formerly Invitae), Labcorp
Classification: Likely benign. Last evaluated: 2025-06-27. Review status: criteria provided, single submitter. Criteria: Invitae Variant Classification Sherloc (09022015). Collection method: clinical testing. Allele origin: germline.

CeGaT Center for Human Genetics Tuebingen
Classification: Likely benign. Last evaluated: 2022-12-01. Review status: criteria provided, single submitter. Criteria: CeGaT Center For Human Genetics Tuebingen Variant Classification Criteria Version 2. Collection method: clinical testing. Allele origin: germline. Affected: yes. Observed: 1 variant allele.
Comment: TIMM50: BP4, BP7

NM_001001563.5(TIMM50):c.600T>G (p.Thr200=)

Gene: TIMM50 (translocase of inner mitochondrial membrane 50; plus strand). Cytogenetic location: 19q13.2.
Variant type: single nucleotide variant.
Coding change: c.600T>G on transcript NM_001001563.5 (MANE Select); coding-DNA position 600, T replaced by G.
Protein change: p.Thr200=; no amino-acid change (threonine 200 retained).
Molecular consequence: synonymous variant.
Genome position (GRCh38, 1-based): chr19:39,486,399, T>G. VCF-style: chr19-39486399-T-G. GRCh37 (hg19) VCF-style: chr19-39977039-T-G.
Other names: c.261T>G, p.Thr87= (NM_001329559.2).
Identifiers: ClinVar variation 1112995 (VCV001112995.32), dbSNP rs200176121, ClinGen allele CA9431914.